The following is an entry in ClinVar:

ClinVar aggregate classification (germline): Uncertain significance (1 of 4 stars; one submission).

gnomAD v4.1: 1 of 1,612,486 alleles (0.000062%); no homozygotes.

Submission:

Labcorp Genetics (formerly Invitae), Labcorp
Classification: Uncertain significance. Last evaluated: 2024-10-22. Review status: criteria provided, single submitter. Criteria: Invitae Variant Classification Sherloc (09022015). Collection method: clinical testing. Allele origin: germline.
Comment: This sequence change replaces valine, which is neutral and non-polar, with methionine, which is neutral and non-polar, at codon 475 of the CLCN7 protein (p.Val475Met). This variant is not present in population databases (gnomAD no frequency). This variant has not been reported in the literature in individuals affected with CLCN7-related conditions. Invitae Evidence Modeling of protein sequence and biophysical properties (such as structural, functional, and spatial information, amino acid conservation, physicochemical variation, residue mobility, and thermodynamic stability) indicates that this missense variant is not expected to disrupt CLCN7 protein function with a negative predictive value of 95%. In summary, the available evidence is currently insufficient to determine the role of this variant in disease. Therefore, it has been classified as a Variant of Uncertain Significance.

NM_001287.6(CLCN7):c.1423G>A (p.Val475Met)

Gene: CLCN7 (chloride voltage-gated channel 7; minus strand). Cytogenetic location: 16p13.3.
Variant type: single nucleotide variant.
Coding change: c.1423G>A on transcript NM_001287.6 (MANE Select); coding-DNA position 1423, G replaced by A.
Protein change: p.Val475Met; replaces valine 475 with methionine.
Molecular consequence: missense variant.
Genome position (GRCh38, 1-based): chr16:1,451,647, C>T on the plus strand (G>A on the coding strand, the complement: CLCN7 is on the minus strand). VCF-style: chr16-1451647-C-T. GRCh37 (hg19) VCF-style: chr16-1501648-C-T.
Other names: c.1351G>A, p.Val451Met (NM_001114331.3); short protein forms V451M, V475M.
Identifiers: ClinVar variation 2976541 (VCV002976541.3), dbSNP rs1413097834, ClinGen allele CA394188041.